The following is an entry in ClinVar:

NM_000391.3(TPP1):c.-49T>C

Gene: TPP1 (tripeptidyl peptidase 1; minus strand). Cytogenetic location: 11p15.4.
Variant type: single nucleotide variant.
Coding change: c.-49T>C on transcript NM_000391.3; 49 bases upstream of the start codon, T replaced by C.
Genome position (GRCh38, 1-based): chr11:6,619,449, A>G on the plus strand (T>C on the coding strand, the complement: TPP1 is on the minus strand). VCF-style: chr11-6619449-A-G. GRCh37 (hg19) VCF-style: chr11-6640680-A-G.
Identifiers: ClinVar variation 669641 (VCV000669641.3), dbSNP rs879531099, ClinGen allele CA217326076.

ClinVar aggregate classification (germline): Likely benign (1 of 4 stars; one submission).

Allele frequency attached by ClinVar (database versions not stated): gnomAD exomes 0.00001 and 0.00002; gnomAD 0.00003 and 0.00004; TOPMed 0.00004.

Submission:

GeneDx
Classification: Likely benign. Last evaluated: 2018-03-16. Review status: criteria provided, single submitter. Criteria: GeneDx Variant Classification (06012015). Collection method: clinical testing. Allele origin: germline. Affected: yes.
Comment: This variant is considered likely benign or benign based on one or more of the following criteria: it is a conservative change, it occurs at a poorly conserved position in the protein, it is predicted to be benign by multiple in silico algorithms, and/or has population frequency not consistent with disease.